The following is an entry in ClinVar:

ClinVar aggregate classification (germline): Conflicting classifications of pathogenicity. Review status: criteria provided, conflicting classifications (1 of 4 stars). 2 submissions from 2 submitters: Uncertain significance (1); Likely benign (1). Last evaluated 2024-11-04.

Allele frequency attached by ClinVar (database versions not stated): gnomAD 0.00001; TOPMed 0.00001.
gnomAD v4.1: 4 of 1,083,370 alleles (0.00037%); highest among the groups gnomAD compares: East Asian, 0.019%; no homozygotes.

Submissions (2):

Labcorp Genetics (formerly Invitae), Labcorp
Classification: Uncertain significance. Last evaluated: 2024-11-04. Review status: criteria provided, single submitter. Criteria: Invitae Variant Classification Sherloc (09022015). Collection method: clinical testing. Allele origin: germline.
Comment: This sequence change replaces alanine, which is neutral and non-polar, with proline, which is neutral and non-polar, at codon 982 of the GRIN2D protein (p.Ala982Pro). The frequency data for this variant in the population databases is considered unreliable, as metrics indicate insufficient coverage at this position in the gnomAD database. This variant has not been reported in the literature in individuals affected with GRIN2D-related conditions. ClinVar contains an entry for this variant (Variation ID: 1931976). Invitae Evidence Modeling of protein sequence and biophysical properties (such as structural, functional, and spatial information, amino acid conservation, physicochemical variation, residue mobility, and thermodynamic stability) indicates that this missense variant is not expected to disrupt GRIN2D protein function with a negative predictive value of 95%. In summary, the available evidence is currently insufficient to determine the role of this variant in disease. Therefore, it has been classified as a Variant of Uncertain Significance.

Blueprint Genetics
Classification: Likely benign. Last evaluated: 2019-08-14. Review status: criteria provided, single submitter. Criteria: ACMG Guidelines, 2015. Collection method: clinical testing. Allele origin: germline.

NM_000836.4(GRIN2D):c.2944G>C (p.Ala982Pro)

Gene: GRIN2D (glutamate ionotropic receptor NMDA type subunit 2D; plus strand). Cytogenetic location: 19q13.33.
Variant type: single nucleotide variant.
Coding change: c.2944G>C on transcript NM_000836.4 (MANE Select); coding-DNA position 2944, G replaced by C.
Protein change: p.Ala982Pro; replaces alanine 982 with proline.
Molecular consequence: missense variant.
Genome position (GRCh38, 1-based): chr19:48,442,870, G>C. VCF-style: chr19-48442870-G-C. GRCh37 (hg19) VCF-style: chr19-48946127-G-C.
Other names: short protein forms A982P.
Identifiers: ClinVar variation 1931976 (VCV001931976.6), dbSNP rs1225338399, ClinGen allele CA406674358.